The following is an entry in ClinVar:

ClinVar aggregate classification (germline): Likely benign. Review status: criteria provided, multiple submitters, no conflicts (2 of 4 stars). 4 submissions from 4 submitters: Likely benign (3). 1 of the submissions does not count toward it. Last evaluated 2026-03-01.

Conditions:
COL27A1-related disorder. Also called: COL27A1-related condition.

Allele frequency attached by ClinVar (database versions not stated): gnomAD exomes 0.00022 and 0.00063; ExAC 0.00080; 1000 Genomes Project 30x 0.00250; 1000 Genomes Project 0.00260; TOPMed 0.00281; ESP Exome Variant Server 0.00323.
gnomAD v4.1: 735 of 1,613,072 alleles (0.046%); highest among the groups gnomAD compares: African/African-American, 0.86%; 1 homozygote.

Submissions (4):

CeGaT Center for Human Genetics Tuebingen
Classification: Likely benign. Last evaluated: 2026-03-01. Review status: criteria provided, single submitter. Criteria: CeGaT Center For Human Genetics Tuebingen Variant Classification Criteria Version 2. Collection method: clinical testing. Allele origin: germline. Affected: yes. Observed: 2 variant alleles.
Comment: COL27A1: BP4

Labcorp Genetics (formerly Invitae), Labcorp
Classification: Likely benign. Last evaluated: 2026-01-28. Review status: criteria provided, single submitter. Criteria: Invitae Variant Classification Sherloc (09022015). Collection method: clinical testing. Allele origin: germline.

Blueprint Genetics
Classification: Likely benign. Last evaluated: 2024-10-14. Review status: criteria provided, single submitter. Criteria: ACMG Guidelines, 2015. Collection method: clinical testing. Allele origin: germline.

PreventionGenetics, part of Exact Sciences
Classification: Benign for COL27A1-related condition. Last evaluated: 2019-06-04. Review status: no assertion criteria provided. Collection method: clinical testing. Allele origin: germline. Not counted in ClinVar's aggregate classification.
Comment: This variant is classified as benign based on ACMG/AMP sequence variant interpretation guidelines (Richards et al. 2015 PMID: 25741868, with internal and published modifications).

NM_032888.4(COL27A1):c.3281G>A (p.Arg1094Gln)

Gene: COL27A1 (collagen type XXVII alpha 1 chain; plus strand). Cytogenetic location: 9q32.
Variant type: single nucleotide variant.
Coding change: c.3281G>A on transcript NM_032888.4 (MANE Select); coding-DNA position 3281, G replaced by A.
Protein change: p.Arg1094Gln; replaces arginine 1094 with glutamine.
Molecular consequence: missense variant.
Genome position (GRCh38, 1-based): chr9:114,264,955, G>A. VCF-style: chr9-114264955-G-A. GRCh37 (hg19) VCF-style: chr9-117027235-G-A.
Other names: short protein forms R1094Q.
Identifiers: ClinVar variation 788555 (VCV000788555.30), dbSNP rs140192759, ClinGen allele CA5202384.